The following is an entry in ClinVar:

ClinVar aggregate classification (germline): Likely benign. Review status: criteria provided, multiple submitters, no conflicts (2 of 4 stars). 4 submissions from 4 submitters: Likely benign (4). Last evaluated 2025-12-01.

Conditions:
Hypophosphatasia. Also called: Phosphoethanol-aminuria. Identifiers: Orphanet 436, MedGen C0020630, MeSH D007014, MONDO:0018570.
ALPL-related disorder. Also called: ALPL-related disorders; ALPL-related condition.

Allele frequency attached by ClinVar (database versions not stated): gnomAD exomes 0.00001 and 0.00003; ExAC 0.00002; gnomAD 0.00003; TOPMed 0.00003; 1000 Genomes Project 30x 0.00016; 1000 Genomes Project 0.00020.
gnomAD v4.1: 26 of 1,609,152 alleles (0.0016%); highest among the groups gnomAD compares: East Asian, 0.029%; no homozygotes.

Submissions (4):

Labcorp Genetics (formerly Invitae), Labcorp
Classification: Likely benign. Last evaluated: 2025-12-01. Review status: criteria provided, single submitter. Criteria: Invitae Variant Classification Sherloc (09022015). Collection method: clinical testing. Allele origin: germline.

PreventionGenetics, part of Exact Sciences
Classification: Likely benign for ALPL-related condition. Last evaluated: 2024-10-18. Review status: criteria provided, single submitter. Criteria: ACMG Guidelines, 2015. Collection method: clinical testing. Allele origin: germline.
Comment: This variant is classified as likely benign based on ACMG/AMP sequence variant interpretation guidelines (Richards et al. 2015 PMID: 25741868, with internal and published modifications).

Blueprint Genetics
Classification: Likely benign. Last evaluated: 2023-03-21. Review status: criteria provided, single submitter. Criteria: ACMG Guidelines, 2015. Collection method: clinical testing. Allele origin: germline.

Illumina Laboratory Services, Illumina
Classification: Likely benign for Hypophosphatasia. Last evaluated: 2018-01-13. Review status: criteria provided, single submitter. Criteria: ICSL Variant Classification Criteria 13 December 2019. Collection method: clinical testing. Allele origin: germline.
Comment: This variant was observed in the ICSL laboratory as part of a predisposition screen in an ostensibly healthy population. It had not been previously curated by ICSL or reported in the Human Gene Mutation Database (HGMD: prior to June 1st, 2018), and was therefore a candidate for classification through an automated scoring system. Utilizing variant allele frequency, disease prevalence and penetrance estimates, and inheritance mode, an automated score was calculated to assess if this variant is too frequent to cause the disease. Based on the score and internal cut-off values, a variant classified as likely benign is not then subjected to further curation. The score for this variant resulted in a classification of likely benign for this disease.

NM_000478.6(ALPL):c.1425C>T (p.His475=)

Gene: ALPL (alkaline phosphatase, biomineralization associated; plus strand). Cytogenetic location: 1p36.12.
Variant type: single nucleotide variant.
Coding change: c.1425C>T on transcript NM_000478.6 (MANE Select); coding-DNA position 1425, C replaced by T.
Protein change: p.His475=; no amino-acid change (histidine 475 retained).
Molecular consequence: synonymous variant.
Genome position (GRCh38, 1-based): chr1:21,577,498, C>T. VCF-style: chr1-21577498-C-T. GRCh37 (hg19) VCF-style: chr1-21903991-C-T.
Other names: c.1260C>T, p.His420= (NM_001127501.4); c.1194C>T, p.His398= (NM_001177520.3); c.1425C>T, p.His475= (NM_001369803.2, NM_001369804.2, NM_001369805.2).
Identifiers: ClinVar variation 295553 (VCV000295553.17), dbSNP rs183381346, ClinGen allele CA666850.